The following is an entry in ClinVar:

ClinVar aggregate classification (germline): Uncertain significance. Review status: criteria provided, multiple submitters, no conflicts (2 of 4 stars). 3 submissions from 3 submitters: Uncertain significance (3). Last evaluated 2026-06-01.

Conditions:
TTC8-related disorder. Also called: TTC8-related condition.
Bardet-Biedl syndrome (BBS). Identifiers: Orphanet 110, MedGen C0752166, MONDO:0015229.

Allele frequency attached by ClinVar (database versions not stated): TOPMed 0.00001; ExAC 0.00002; gnomAD 0.00002; 1000 Genomes Project 30x 0.00047; 1000 Genomes Project 0.00060.
gnomAD v4.1: 13 of 1,613,408 alleles (0.00081%); highest among the groups gnomAD compares: African/African-American, 0.011%; no homozygotes.

Submissions (3):

PreventionGenetics, part of Exact Sciences
Classification: Uncertain significance for TTC8-related condition. Last evaluated: 2026-06-01. Review status: criteria provided, single submitter. Criteria: ACMG Guidelines, 2015. Collection method: clinical testing. Allele origin: germline.
Comment: The TTC8 c.490G>A variant is predicted to result in the amino acid substitution p.Ala164Thr. To our knowledge, this variant has not been reported in the literature. This variant is reported in 0.012% of alleles in individuals of African descent in gnomAD. At this time, the clinical significance of this variant is uncertain due to the absence of conclusive functional and genetic evidence.

Blueprint Genetics
Classification: Uncertain significance. Last evaluated: 2023-10-13. Review status: criteria provided, single submitter. Criteria: ACMG Guidelines, 2015. Collection method: clinical testing. Allele origin: germline.

Labcorp Genetics (formerly Invitae), Labcorp
Classification: Uncertain significance for Bardet-Biedl syndrome. Last evaluated: 2022-07-11. Review status: criteria provided, single submitter. Criteria: Invitae Variant Classification Sherloc (09022015). Collection method: clinical testing. Allele origin: germline.
Comment: This sequence change replaces alanine, which is neutral and non-polar, with threonine, which is neutral and polar, at codon 154 of the TTC8 protein (p.Ala154Thr). This variant is present in population databases (rs184952059, gnomAD 0.01%). This variant has not been reported in the literature in individuals affected with TTC8-related conditions. ClinVar contains an entry for this variant (Variation ID: 651233). Algorithms developed to predict the effect of missense changes on protein structure and function (SIFT, PolyPhen-2, Align-GVGD) all suggest that this variant is likely to be disruptive. In summary, the available evidence is currently insufficient to determine the role of this variant in disease. Therefore, it has been classified as a Variant of Uncertain Significance.

NM_144596.4(TTC8):c.490G>A (p.Ala164Thr)

Gene: TTC8 (tetratricopeptide repeat domain 8; plus strand). Cytogenetic location: 14q31.3.
Variant type: single nucleotide variant.
Coding change: c.490G>A on transcript NM_144596.4 (MANE Select); coding-DNA position 490, G replaced by A.
Protein change: p.Ala164Thr; replaces alanine 164 with threonine.
Molecular consequence: missense variant. On other transcripts: 5 prime UTR variant (1), non-coding transcript variant (1), intron variant (3).
Genome position (GRCh38, 1-based): chr14:88,841,425, G>A. VCF-style: chr14-88841425-G-A. GRCh37 (hg19) VCF-style: chr14-89307769-G-A.
Other names: c.460G>A, p.Ala154Thr (NM_001288781.1, NM_001366535.2, NM_198309.3); c.-103G>A (NM_001288782.1); c.-199+229G>A (NM_001288783.1); c.459+229G>A (NM_198310.3, NM_001366536.2); c.490G>A (NM_144596.3); short protein forms A154T, A164T.
Identifiers: ClinVar variation 651233 (VCV000651233.9), dbSNP rs184952059, ClinGen allele CA7302500.
Genomic context (GRCh38, chr14:88,841,425, plus strand): 5'-ACTTGTTTACATTTCAAGAGAAAGTTTCAGATCTCTTGGTCTATTGTTTTTCCTCTGTAG[G>A]CTTCCATGCTTACAAGTCCTGATGGACCATTTATAAATTTATCTAGGCTGAATTTAACAA-3'
Protein context (NP_653197.2, residues 154-174): SSGRFVRLGT[Ala164Thr]SMLTSPDGPF